The following is an entry in ClinVar:

ClinVar aggregate classification (germline): Pathogenic/Likely pathogenic. Review status: criteria provided, multiple submitters, no conflicts (2 of 4 stars). 9 submissions from 9 submitters: Pathogenic (7); Likely pathogenic (1). 1 of the submissions does not count toward it. Last evaluated 2025-12-15.

Conditions:
Citrullinemia. Identifiers: Orphanet 187, MedGen C0175683, MONDO:0015991.
Citrullinemia, type II, adult-onset (CDAA). Also called: CITRIN DEFICIENCY, ADOLESCENT OR ADULT ONSET. Identifiers: Orphanet 247585, MedGen CN295299, MONDO:0011326, OMIM 603471.
Neonatal intrahepatic cholestasis due to citrin deficiency (CDNI). Also called: Neonatal Intrahepatic Cholestasis Caused by Citrin Deficiency (NICCD); Neonatal-onset citrullinemia type II; Neonatal-onset citrullinemia type 2; CITRIN DEFICIENCY, NEONATAL OR INFANTILE ONSET. Identifiers: Orphanet 247598, MedGen C1853942, MONDO:0011601, OMIM 605814.
Citrin deficiency. Identifiers: Orphanet 247582, MedGen C1997910, MONDO:0016602.
Citrullinemia type II. Also called: Citrullinemia Type II (CTLN2). Identifiers: Orphanet 247585, MedGen C1863844, MONDO:0016603.

Allele frequency attached by ClinVar (database versions not stated): gnomAD exomes 0.00006 and 0.00004; TOPMed below 0.00001; ExAC 0.00007.
gnomAD v4.1: 58 of 1,614,114 alleles (0.0036%); highest among the groups gnomAD compares: South Asian, 0.056%; no homozygotes.

Submissions (9):

Natera, Inc.
Classification: Pathogenic for Citrullinemia. Last evaluated: 2025-12-15. Review status: criteria provided, single submitter. Criteria: Natera Variant Classification Schema (03/2026). Collection method: clinical testing. Allele origin: germline.
Comment: The c.1813C>T variant in SLC25A13 is a nonsense variant predicted to introduce a stop codon at amino acid 605. This variant is expected to result in nonsense mediated decay, truncation, or a dysfunctional protein product. This variant is rare in the general population with a frequency below the threshold expected for the associated phenotype(s). This variant has been observed in one or more individuals affected with the associated recessive disease, as either homozygous or compound heterozygous with a second variant (PMID: 33763395, 32962675, 11153906). Given the available evidence, this variant is classified as Pathogenic.

Labcorp Genetics (formerly Invitae), Labcorp
Classification: Pathogenic for Citrin deficiency. Last evaluated: 2025-12-01. Review status: criteria provided, single submitter. Criteria: Invitae Variant Classification Sherloc (09022015). Collection method: clinical testing. Allele origin: germline.
Comment: This sequence change creates a premature translational stop signal (p.Arg605*) in the SLC25A13 gene. While this is not anticipated to result in nonsense mediated decay, it is expected to disrupt the last 71 amino acid(s) of the SLC25A13 protein. This variant is present in population databases (rs80338729, gnomAD 0.04%). This premature translational stop signal has been observed in individual(s) with SLC25A13-related conditions (PMID: 11153906, 32962675, 33763395). In at least one individual the data is consistent with being in trans (on the opposite chromosome) from a pathogenic variant. ClinVar contains an entry for this variant (Variation ID: 21514). Algorithms developed to predict the effect of sequence changes on RNA splicing suggest that this variant may disrupt the consensus splice site. For these reasons, this variant has been classified as Pathogenic.

Fulgent Genetics
Classification: Pathogenic for Citrullinemia, type II, adult-onset; Neonatal intrahepatic cholestasis due to citrin deficiency. Last evaluated: 2024-06-06. Review status: criteria provided, single submitter. Criteria: ACMG Guidelines, 2015. Collection method: clinical testing. Allele origin: germline.

Baylor Genetics
Classification: Pathogenic for Citrullinemia, type II, adult-onset. Last evaluated: 2024-03-18. Review status: criteria provided, single submitter. Criteria: ACMG Guidelines, 2015. Collection method: clinical testing. Allele origin: unknown.

Revvity Omics, Revvity
Classification: Pathogenic. Last evaluated: 2024-02-08. Review status: criteria provided, single submitter. Criteria: ACMG Guidelines, 2015. Collection method: clinical testing. Allele origin: germline.

Women's Health and Genetics/Laboratory Corporation of America, LabCorp
Classification: Pathogenic for Citrullinemia type II. Last evaluated: 2023-04-14. Review status: criteria provided, single submitter. Criteria: LabCorp Variant Classification Summary - May 2015. Collection method: clinical testing. Allele origin: germline.
Comment: Variant summary: SLC25A13 c.1813C>T (p.Arg605X) located in the region that escapes NMD in the penultimate exon results in a premature termination codon, predicted to cause a truncation of the encoded protein. The variant allele was found at a frequency of 6e-05 in 251028 control chromosomes. This frequency is not significantly higher than estimated for a pathogenic variant in SLC25A13 causing Citrullinemia Type II (6e-05 vs 0.0035), allowing no conclusion about variant significance. c.1813C>T has been reported in the literature as a compound heterozygous genotype in multiple individuals affected with Citrullinemia Type II presenting with features of neonatal intrahepatic cholestasis by citrin deficiency (NICCD), failure to thrive, and dyslipidemia by citrin deficiency (FTTDCD), and adult-onset type II citrullinemia (CTLN2) (example, Yasuda_2000, Lu_2005, Kido_2022). These data indicate that the variant is very likely to be associated with disease. To our knowledge, no experimental evidence demonstrating an impact on protein function has been reported. Four clinical diagnostic laboratories have submitted clinical-significance assessments for this variant to ClinVar after 2014 without evidence for independent evaluation. All laboratories classified the variant as pathogenic/likely pathogenic. Based on the evidence outlined above, the variant was classified as pathogenic.

Genetics and Genomic Medicine Centre, NeuroGen Healthcare, NeuroGen Healthcare
Classification: Likely pathogenic for Neonatal intrahepatic cholestasis due to citrin deficiency. Last evaluated: 2021-09-05. Review status: criteria provided, single submitter. Criteria: Submitter's publication. Collection method: clinical testing. Allele origin: unknown. Affected: no.

GeneDx
Classification: Pathogenic. Last evaluated: 2015-11-02. Review status: criteria provided, single submitter. Criteria: GeneDx Variant Classification (06012015). Collection method: clinical testing. Allele origin: germline. Affected: yes.
Comment: This variant is predicted to cause loss of normal protein function through protein truncation. The R605X variant was not observed in approximately 6500 individuals of European and African American ancestry in the NHLBI Exome Sequencing Project, indicating it is not a common benign variant in these populations. We interpret R605X as a pathogenic variant.

GeneReviews
No classification provided. Condition: Neonatal intrahepatic cholestasis due to citrin deficiency. Review status: no classification provided. Collection method: literature only. Allele origin: unknown. Not counted in ClinVar's aggregate classification.

Literature cited by the submitters: PubMed 33763395 (cited by Natera, Inc. and Labcorp Genetics (formerly Invitae), Labcorp); PubMed 32962675 (cited by Natera, Inc. and Labcorp Genetics (formerly Invitae), Labcorp); PubMed 11153906 (cited by 4 submitters); PubMed 35142380 (cited by Women's Health and Genetics/Laboratory Corporation of America, LabCorp); PubMed 16059747 (cited by Women's Health and Genetics/Laboratory Corporation of America, LabCorp); PubMed 20301360 (cited by GeneReviews); NCBI Bookshelf NBK1181 (cited by GeneReviews).

NM_014251.3(SLC25A13):c.1813C>T (p.Arg605Ter)

Gene: SLC25A13 (solute carrier family 25 member 13; minus strand). Cytogenetic location: 7q21.3.
Variant type: single nucleotide variant.
Coding change: c.1813C>T on transcript NM_014251.3 (MANE Select); coding-DNA position 1813, C replaced by T.
Protein change: p.Arg605Ter; replaces arginine 605 with a stop codon.
Molecular consequence: nonsense. On other transcripts: non-coding transcript variant (1).
Genome position (GRCh38, 1-based): chr7:96,121,683, G>A on the plus strand (C>T on the coding strand, the complement: SLC25A13 is on the minus strand). VCF-style: chr7-96121683-G-A. GRCh37 (hg19) VCF-style: chr7-95750995-G-A.
Other names: c.1816C>T, p.Arg606Ter (NM_001160210.2); short protein forms R605*, R606*.
Identifiers: ClinVar variation 21514 (VCV000021514.19), dbSNP rs80338729, ClinGen allele CA342157.